The following is an entry in ClinVar:

NM_006295.3(VARS1):c.3696G>A (p.Pro1232=)

Gene: VARS1 (valyl-tRNA synthetase 1; minus strand). Cytogenetic location: 6p21.33.
Variant type: single nucleotide variant.
Coding change: c.3696G>A on transcript NM_006295.3 (MANE Select); coding-DNA position 3696, G replaced by A.
Protein change: p.Pro1232=; no amino-acid change (proline 1232 retained).
Molecular consequence: synonymous variant.
Genome position (GRCh38, 1-based): chr6:31,778,997, C>T on the plus strand (G>A on the coding strand, the complement: VARS1 is on the minus strand). VCF-style: chr6-31778997-C-T. GRCh37 (hg19) VCF-style: chr6-31746774-C-T.
Identifiers: ClinVar variation 3765706 (VCV003765706.2).

ClinVar aggregate classification (germline): Conflicting classifications of pathogenicity. Review status: criteria provided, conflicting classifications (1 of 4 stars). 2 submissions from 2 submitters: Uncertain significance (1); Likely benign (1). Last evaluated 2024-10-15.

gnomAD v4.1: 111 of 1,613,046 alleles (0.0069%); highest among the groups gnomAD compares: African/African-American, 0.049%; no homozygotes.

Submissions (2):

Greenwood Genetic Center Diagnostic Laboratories, Greenwood Genetic Center
Classification: Uncertain significance. Last evaluated: 2024-10-15. Review status: criteria provided, single submitter. Criteria: ACMG Guidelines, 2015. Collection method: clinical testing. Allele origin: germline. Affected: yes.
Comment: BP4

Blueprint Genetics
Classification: Likely benign. Last evaluated: 2024-07-15. Review status: criteria provided, single submitter. Criteria: ACMG Guidelines, 2015. Collection method: clinical testing. Allele origin: germline.